The following is an entry in ClinVar:

NM_004336.5(BUB1):c.689A>T (p.Asp230Val)

Gene: BUB1 (BUB1 mitotic checkpoint serine/threonine kinase; minus strand). Cytogenetic location: 2q13.
Variant type: single nucleotide variant.
Coding change: c.689A>T on transcript NM_004336.5 (MANE Select); coding-DNA position 689, A replaced by T.
Protein change: p.Asp230Val; replaces aspartic acid 230 with valine.
Molecular consequence: missense variant.
Genome position (GRCh38, 1-based): chr2:110,667,637, T>A on the plus strand (A>T on the coding strand, the complement: BUB1 is on the minus strand). VCF-style: chr2-110667637-T-A. GRCh37 (hg19) VCF-style: chr2-111425214-T-A.
Other names: c.629A>T, p.Asp210Val (NM_001278616.2); c.689A>T, p.Asp230Val (NM_001278617.2); short protein forms D210V, D230V.
Identifiers: ClinVar variation 1756026 (VCV001756026.3), dbSNP rs761997746, ClinGen allele CA1828268.

ClinVar aggregate classification (germline): Uncertain significance (1 of 4 stars; one submission).

gnomAD v4.1: 4 of 1,613,920 alleles (0.00025%); highest among the groups gnomAD compares: African/African-American, 0.0053%; no homozygotes.

Submission:

Ambry Genetics
Classification: Uncertain significance. Last evaluated: 2024-05-24. Review status: criteria provided, single submitter. Criteria: Ambry Variant Classification Scheme 2023. Collection method: clinical testing. Allele origin: germline.
Comment: The p.D230V variant (also known as c.689A>T), located in coding exon 8 of the BUB1 gene, results from an A to T substitution at nucleotide position 689. The aspartic acid at codon 230 is replaced by valine, an amino acid with highly dissimilar properties. This amino acid position is conserved. In addition, this alteration is predicted to be tolerated by in silico analysis. Since supporting evidence is limited at this time, the clinical significance of this alteration remains unclear.